The following is an entry in ClinVar:

ClinVar aggregate classification (germline): Uncertain significance. Review status: criteria provided, single submitter (1 of 4 stars). 2 submissions from 2 submitters: Uncertain significance (1). 1 of the submissions does not count toward it. Last evaluated 2025-03-17.

Conditions:
Holoprosencephaly 3 (HPE3). Identifiers: Orphanet 2162, MedGen C1840529, MONDO:0007733, OMIM 142945.
SHH-related disorder. Also called: SHH-related condition; SHH-related disorders.

Allele frequency attached by ClinVar (database versions not stated): ExAC 0.00002; gnomAD 0.00002; gnomAD exomes 0.00003; TOPMed 0.00003; ESP Exome Variant Server 0.00008.

Submissions (2):

Labcorp Genetics (formerly Invitae), Labcorp
Classification: Uncertain significance for Holoprosencephaly 3. Last evaluated: 2025-03-17. Review status: criteria provided, single submitter. Criteria: Invitae Variant Classification Sherloc (09022015). Collection method: clinical testing. Allele origin: germline.
Comment: This sequence change replaces valine, which is neutral and non-polar, with leucine, which is neutral and non-polar, at codon 18 of the SHH protein (p.Val18Leu). This variant is present in population databases (rs148181557, gnomAD 0.007%). This variant has not been reported in the literature in individuals affected with SHH-related conditions. ClinVar contains an entry for this variant (Variation ID: 2910159). Invitae Evidence Modeling of protein sequence and biophysical properties (such as structural, functional, and spatial information, amino acid conservation, physicochemical variation, residue mobility, and thermodynamic stability) indicates that this missense variant is not expected to disrupt SHH protein function with a negative predictive value of 80%. In summary, the available evidence is currently insufficient to determine the role of this variant in disease. Therefore, it has been classified as a Variant of Uncertain Significance.

PreventionGenetics, part of Exact Sciences
Classification: Uncertain significance for SHH-related condition. Last evaluated: 2024-05-01. Review status: no assertion criteria provided. Collection method: clinical testing. Allele origin: germline. Not counted in ClinVar's aggregate classification.
Comment: The SHH c.52G>T variant is predicted to result in the amino acid substitution p.Val18Leu. This variant has been reported with uncertain significance in an individual with pituitary stalk interruption syndrome (Brauner et al. 2020. PubMed ID: 33270637). This variant is reported in 0.0062% of alleles in individuals of African descent in gnomAD. At this time, the clinical significance of this variant is uncertain due to the absence of conclusive functional and genetic evidence.

NM_000193.4(SHH):c.52G>T (p.Val18Leu)

Gene: SHH (sonic hedgehog signaling molecule; minus strand). Cytogenetic location: 7q36.3.
Variant type: single nucleotide variant.
Coding change: c.52G>T on transcript NM_000193.4 (MANE Select); coding-DNA position 52, G replaced by T.
Protein change: p.Val18Leu; replaces valine 18 with leucine.
Molecular consequence: missense variant.
Genome position (GRCh38, 1-based): chr7:155,812,071, C>A on the plus strand (G>T on the coding strand, the complement: SHH is on the minus strand). VCF-style: chr7-155812071-C-A. GRCh37 (hg19) VCF-style: chr7-155604765-C-A.
Other names: c.52G>T (NM_000193.3); short protein forms V18L.
Identifiers: ClinVar variation 2910159 (VCV002910159.4), dbSNP rs148181557, ClinGen allele CA4587100.
Genomic context (GRCh38, chr7:155,812,071, plus strand): 5'-TTTTGGGGTGCCTCCTCTTCCCGAACCCCCTGCCCGGTCCGCACGCCAGTCCCGAGCATA[C>A]CAGCAGCGAGGAGACGAGGACTAGCAGCAGACATCTCGCCAGCAGCAGCATCTCGCCCAT-3'
Protein context (NP_000184.1, residues 8-28): LLLVLVSSLL[Val18Leu]CSGLACGPGR